The following is an entry in ClinVar:

NM_005215.4(DCC):c.4028G>T (p.Arg1343Leu)

Gene: DCC (DCC netrin 1 receptor; plus strand). Cytogenetic location: 18q21.2.
Variant type: single nucleotide variant.
Coding change: c.4028G>T on transcript NM_005215.4 (MANE Select); coding-DNA position 4028, G replaced by T.
Protein change: p.Arg1343Leu; replaces arginine 1343 with leucine.
Molecular consequence: missense variant.
Genome position (GRCh38, 1-based): chr18:53,499,427, G>T. VCF-style: chr18-53499427-G-T. GRCh37 (hg19) VCF-style: chr18-51025797-G-T.
Other names: short protein forms R1343L.
Identifiers: ClinVar variation 4891328 (VCV004891328.1).

ClinVar aggregate classification (germline): Uncertain significance (1 of 4 stars; one submission).

gnomAD v4.1: 40 of 1,613,926 alleles (0.0025%); highest among the groups gnomAD compares: Admixed American, 0.067%; no homozygotes.

Submission:

GeneDx
Classification: Uncertain significance. Last evaluated: 2026-02-26. Review status: criteria provided, single submitter. Criteria: GeneDx Variant Classification Process June 2021. Collection method: clinical testing. Allele origin: germline.
Comment: In silico analysis supports that this missense variant has a deleterious effect on protein structure/function; Has not been previously published as pathogenic or benign to our knowledge